The following is an entry in ClinVar:

ClinVar aggregate classification (germline): Uncertain significance. Review status: criteria provided, multiple submitters, no conflicts (2 of 4 stars). 3 submissions from 3 submitters: Uncertain significance (3). Last evaluated 2025-04-29.

Conditions:
Microcephaly, normal intelligence and immunodeficiency (NBS). Also called: Immunodeficiency, microcephaly with normal intelligence; Ataxia telangiectasia variant V1; IMMUNODEFICIENCY, MICROCEPHALY, AND CHROMOSOMAL INSTABILITY; BERLIN BREAKAGE SYNDROME; SEEMANOVA SYNDROME II; Nijmegen breakage syndrome. Identifiers: Orphanet 647, MedGen C0398791, MONDO:0009623, OMIM 251260.
Hereditary cancer-predisposing syndrome. Also called: Neoplastic Syndromes, Hereditary; Hereditary neoplastic syndrome; Tumor predisposition; Hereditary Cancer Syndrome. Identifiers: Orphanet 140162, MedGen C0027672, MeSH D009386, MONDO:0015356.

Allele frequency attached by ClinVar (database versions not stated): gnomAD exomes below 0.00001.
gnomAD v4.1: 2 of 1,578,712 alleles (0.00013%); highest among the groups gnomAD compares: Non-Finnish European, 0.00017%; no homozygotes.

Submissions (3):

Ambry Genetics
Classification: Uncertain significance for Hereditary cancer-predisposing syndrome. Last evaluated: 2025-04-29. Review status: criteria provided, single submitter. Criteria: Ambry Variant Classification Scheme 2023. Collection method: clinical testing. Allele origin: germline.
Comment: The p.S633L variant (also known as c.1898C>T), located in coding exon 12 of the NBN gene, results from a C to T substitution at nucleotide position 1898. The serine at codon 633 is replaced by leucine, an amino acid with dissimilar properties. This amino acid position is well conserved in available vertebrate species. In addition, this alteration is predicted to be tolerated by in silico analysis. Since supporting evidence is limited at this time, the clinical significance of this alteration remains unclear.

Labcorp Genetics (formerly Invitae), Labcorp
Classification: Uncertain significance for Microcephaly, normal intelligence and immunodeficiency. Last evaluated: 2023-02-26. Review status: criteria provided, single submitter. Criteria: Invitae Variant Classification Sherloc (09022015). Collection method: clinical testing. Allele origin: germline.
Comment: This sequence change replaces serine, which is neutral and polar, with leucine, which is neutral and non-polar, at codon 633 of the NBN protein (p.Ser633Leu). RNA analysis indicates that this missense change induces altered splicing and likely results in a shortened protein product. In summary, the available evidence is currently insufficient to determine the role of this variant in disease. Therefore, it has been classified as a Variant of Uncertain Significance. Studies have shown that this missense change results in skipping of exon 12, but is expected to preserve the integrity of the reading-frame (Invitae). An algorithm developed to predict the effect of missense changes on protein structure and function (PolyPhen-2) suggests that this variant is likely to be tolerated. ClinVar contains an entry for this variant (Variation ID: 530728). This variant has not been reported in the literature in individuals affected with NBN-related conditions. This variant is not present in population databases (gnomAD no frequency).

Genome-Nilou Lab
Classification: Uncertain significance for Microcephaly, normal intelligence and immunodeficiency. Last evaluated: 2021-11-07. Review status: criteria provided, single submitter. Criteria: ACMG Guidelines, 2015. Collection method: clinical testing. Allele origin: germline. Affected: no.

NM_002485.5(NBN):c.1898C>T (p.Ser633Leu)

Genes: NBN (nibrin; minus strand), LOC126860438 (MED14-independent group 3 enhancer GRCh37_chr8:90959982-90961181; plus strand). Cytogenetic location: 8q21.3.
Variant type: single nucleotide variant.
Coding change: c.1898C>T on transcript NM_002485.5 (MANE Select); coding-DNA position 1898, C replaced by T.
Protein change: p.Ser633Leu; replaces serine 633 with leucine.
Molecular consequence: missense variant.
Genome position (GRCh38, 1-based): chr8:89,947,840, G>A on the plus strand (C>T on the coding strand, the complement: NBN is on the minus strand). VCF-style: chr8-89947840-G-A. GRCh37 (hg19) VCF-style: chr8-90960068-G-A.
Other names: c.1652C>T, p.Ser551Leu (NM_001024688.3); short protein forms S633L, S551L.
Identifiers: ClinVar variation 530728 (VCV000530728.16), dbSNP rs1554556897, ClinGen allele CA371677211.